The following is an entry in ClinVar:

ClinVar aggregate classification (germline): Likely pathogenic (1 of 4 stars; one submission).

Conditions:
DSP-related disorder. Also called: DSP-related condition; DSP-related disorders.

Submission:

3billion
Classification: Likely pathogenic for DSP-related disorder. Last evaluated: 2025-08-26. Review status: criteria provided, single submitter. Criteria: ACMG Guidelines, 2015. Collection method: clinical testing. Allele origin: germline. Affected: yes.
Comment: The variant is not observed in the gnomAD v4.1.0 dataset. Predicted Consequence/Location: Frameshift: predicted to result in a loss or disruption of normal protein function through nonsense-mediated decay (NMD) or protein truncation. Multiple pathogenic variants are reported downstream of the variant. Therefore, this variant is classified as Likely pathogenic according to the recommendation of ACMG/AMP guideline.

NM_004415.4(DSP):c.687del (p.Asp230fs)

Gene: DSP (desmoplakin; plus strand). Cytogenetic location: 6p24.3.
Variant type: Deletion.
Coding change: c.687del on transcript NM_004415.4 (MANE Select); coding-DNA position 687, one base deleted (C; older notation c.687delC).
Protein change: p.Asp230fs; shifts the reading frame from aspartic acid 230.
Molecular consequence: frameshift variant.
Genome position (GRCh38, 1-based): chr6:7,562,741, C deleted. VCF-style (leftmost placement, unchanged base first): chr6-7562740-GC-G. GRCh37 (hg19) VCF-style: chr6-7562973-GC-G.
Other names: c.687del, p.Asp230fs (NM_001008844.3, NM_001319034.2, NM_001406591.1); short protein forms D230fs.
Identifiers: ClinVar variation 4855896 (VCV004855896.1).